The following is an entry in ClinVar:

NM_004693.3(KRT75):c.1099A>G (p.Ile367Val)

Gene: KRT75 (keratin 75; minus strand). Cytogenetic location: 12q13.13.
Variant type: single nucleotide variant.
Coding change: c.1099A>G on transcript NM_004693.3 (MANE Select); coding-DNA position 1099, A replaced by G.
Protein change: p.Ile367Val; replaces isoleucine 367 with valine.
Molecular consequence: missense variant.
Genome position (GRCh38, 1-based): chr12:52,428,680, T>C on the plus strand (A>G on the coding strand, the complement: KRT75 is on the minus strand). VCF-style: chr12-52428680-T-C. GRCh37 (hg19) VCF-style: chr12-52822464-T-C.
Other names: short protein forms I367V.
Identifiers: ClinVar variation 788884 (VCV000788884.6), dbSNP rs2232402, ClinGen allele CA6579883.

ClinVar aggregate classification (germline): Benign. Review status: criteria provided, multiple submitters, no conflicts (2 of 4 stars). 3 submissions from 3 submitters: Benign (2). 1 of the submissions does not count toward it. Last evaluated 2018-03-29.

Conditions:
KRT75-related disorder. Also called: KRT75-related condition.

Allele frequency attached by ClinVar (database versions not stated): 1000 Genomes Project 0.02057; 1000 Genomes Project 30x 0.02405; gnomAD 0.02639; TOPMed 0.02776; ESP Exome Variant Server 0.02876.

Submissions (3):

Labcorp Genetics (formerly Invitae), Labcorp
Classification: Benign. Last evaluated: 2018-03-29. Review status: criteria provided, single submitter. Criteria: Invitae Variant Classification Sherloc (09022015). Collection method: clinical testing. Allele origin: germline.

Breakthrough Genomics
Classification: Benign. Review status: criteria provided, single submitter. Criteria: ACMG Guidelines, 2015. Collection method: not provided. Allele origin: germline. Inheritance: Unknown mechanism. Affected: yes.

PreventionGenetics, part of Exact Sciences
Classification: Benign for KRT75-related condition. Last evaluated: 2019-06-19. Review status: no assertion criteria provided. Collection method: clinical testing. Allele origin: germline. Not counted in ClinVar's aggregate classification.
Comment: This variant is classified as benign based on ACMG/AMP sequence variant interpretation guidelines (Richards et al. 2015 PMID: 25741868, with internal and published modifications).